The following is an entry in ClinVar:

ClinVar aggregate classification (germline): Uncertain significance (1 of 4 stars; one submission).

Conditions:
Inborn genetic diseases. Identifiers: MedGen C0950123, MeSH D030342.

Submission:

Ambry Genetics
Classification: Uncertain significance for Inborn genetic diseases. Last evaluated: 2024-08-26. Review status: criteria provided, single submitter. Criteria: Ambry Variant Classification Scheme 2023. Collection method: clinical testing. Allele origin: germline.
Comment: The c.3722_3727delCTGCTA (p.T1241_A1242del) alteration is located in exon 23 (coding exon 21) of the KMT2E gene. This alteration consists of an in-frame deletion of 6 nucleotides between nucleotide positions c.3722 and c.3727, resulting in the deletion of 2 residues. Based on insufficient or conflicting evidence, the clinical significance of this alteration remains unclear.

NM_182931.3(KMT2E):c.3722_3727del (p.Thr1241_Ala1242del)

Gene: KMT2E (lysine methyltransferase 2E (inactive); plus strand). Cytogenetic location: 7q22.3.
Variant type: Deletion.
Coding change: c.3722_3727del on transcript NM_182931.3 (MANE Select); coding-DNA positions 3722 to 3727, 6 bases deleted (CTGCTA; older notation c.3722_3727delCTGCTA).
Protein change: p.Thr1241_Ala1242del.
Genome position (GRCh38, 1-based): chr7:105,109,195-105,109,200, CTGCTA deleted; deleting any 6 consecutive bases within chr7:105,109,190-105,109,200 gives the same sequence; the c. name uses the placement nearest the transcript's 3' end. VCF-style (leftmost placement, unchanged base first): chr7-105109189-ATGCTAC-A. GRCh37 (hg19) VCF-style: chr7-104749636-ATGCTAC-A.
Other names: c.3722_3727del, p.Thr1241_Ala1242del (NM_001410908.1, NM_018682.4).
Identifiers: ClinVar variation 3535558 (VCV003535558.1).